The following is an entry in ClinVar:

ClinVar aggregate classification (germline): Uncertain significance (1 of 4 stars; one submission).

Submission:

Labcorp Genetics (formerly Invitae), Labcorp
Classification: Uncertain significance. Last evaluated: 2025-09-14. Review status: criteria provided, single submitter. Criteria: Invitae Variant Classification Sherloc (09022015). Collection method: clinical testing. Allele origin: germline.
Comment: This sequence change falls in intron 27 of the PIEZO2 gene. It does not directly change the encoded amino acid sequence of the PIEZO2 protein. This variant is not present in population databases (gnomAD no frequency). This variant has not been reported in the literature in individuals affected with PIEZO2-related conditions. Algorithms developed to predict the effect of sequence changes on RNA splicing suggest that this variant may disrupt the consensus splice site. In summary, the available evidence is currently insufficient to determine the role of this variant in disease. Therefore, it has been classified as a Variant of Uncertain Significance.

NM_001378183.1(PIEZO2):c.4265-9T>A

Gene: PIEZO2 (piezo type mechanosensitive ion channel component 2; minus strand). Cytogenetic location: 18p11.22.
Variant type: single nucleotide variant.
Coding change: c.4265-9T>A on transcript NM_001378183.1 (MANE Select); 9 bases into the intron before coding-DNA position 4265, T replaced by A.
Molecular consequence: intron variant.
Genome position (GRCh38, 1-based): chr18:10,748,639, A>T on the plus strand (T>A on the coding strand, the complement: PIEZO2 is on the minus strand). VCF-style: chr18-10748639-A-T. GRCh37 (hg19) VCF-style: chr18-10748637-A-T.
Other names: c.4190-9T>A (NM_022068.4); c.4265-9T>A (NM_001410871.1).
Identifiers: ClinVar variation 4761799 (VCV004761799.1).